The following is an entry in ClinVar:

NM_014845.6(FIG4):c.2662C>T (p.Gln888Ter)

Gene: FIG4 (FIG4 phosphoinositide 5-phosphatase; plus strand). Cytogenetic location: 6q21.
Variant type: single nucleotide variant.
Coding change: c.2662C>T on transcript NM_014845.6 (MANE Select); coding-DNA position 2662, C replaced by T.
Protein change: p.Gln888Ter; replaces glutamine 888 with a stop codon.
Molecular consequence: nonsense.
Genome position (GRCh38, 1-based): chr6:109,825,203, C>T. VCF-style: chr6-109825203-C-T. GRCh37 (hg19) VCF-style: chr6-110146406-C-T.
Other names: short protein forms Q888*.
Identifiers: ClinVar variation 1470621 (VCV001470621.5), dbSNP rs1306576733, ClinGen allele CA365225275.

ClinVar aggregate classification (germline): Uncertain significance. Review status: criteria provided, multiple submitters, no conflicts (2 of 4 stars). 2 submissions from 2 submitters: Uncertain significance (2). Last evaluated 2021-05-31.

Conditions:
Charcot-Marie-Tooth disease type 4. Also called: Charcot-Marie-Tooth disease, type IV; Charcot-Marie-Tooth, Type 4. Identifiers: Orphanet 64749, MedGen C4082197, MONDO:0018995.
Inborn genetic diseases. Identifiers: MedGen C0950123, MeSH D030342.

Allele frequency attached by ClinVar (database versions not stated): gnomAD exomes below 0.00001.
gnomAD v4.1: 1 of 1,614,110 alleles (0.000062%); highest among the groups gnomAD compares: Non-Finnish European, 0.000085%; no homozygotes.

Submissions (2):

Labcorp Genetics (formerly Invitae), Labcorp
Classification: Uncertain significance for Charcot-Marie-Tooth disease type 4. Last evaluated: 2021-05-31. Review status: criteria provided, single submitter. Criteria: Invitae Variant Classification Sherloc (09022015). Collection method: clinical testing. Allele origin: germline.
Comment: This sequence change creates a premature translational stop signal (p.Gln888*) in the FIG4 gene. While this is not anticipated to result in nonsense mediated decay, it is expected to disrupt the last 20 amino acid(s) of the FIG4 protein. This variant is not present in population databases (ExAC no frequency). This variant has not been reported in the literature in individuals with FIG4-related conditions. Experimental studies and prediction algorithms are not available or were not evaluated, and the functional significance of this variant is currently unknown. In summary, the available evidence is currently insufficient to determine the role of this variant in disease. Therefore, it has been classified as a Variant of Uncertain Significance.

Ambry Genetics
Classification: Uncertain significance for Inborn genetic diseases. Last evaluated: 2020-05-19. Review status: criteria provided, single submitter. Criteria: Ambry Variant Classification Scheme 2023. Collection method: clinical testing. Allele origin: germline.
Comment: The p.Q888* variant (also known as c.2662C>T), located in coding exon 23 of the FIG4 gene, results from a C to T substitution at nucleotide position 2662. This changes the amino acid from a glutamine to a stop codon within coding exon 23. Premature stop codons are typically deleterious in nature; however, this stop codon occurs at the 3' terminus of FIG4, is not expected to trigger nonsense-mediated mRNA decay, and impacts only the last 20 amino acids of the protein. The exact functional impact of these removed amino acids is unknown at this time. Since supporting evidence is limited at this time, the clinical significance of this alteration remains unclear.